The following is an entry in ClinVar:

NM_032977.4(CASP10):c.250_251insG (p.Tyr84Ter)

Gene: CASP10 (caspase 10; plus strand). Cytogenetic location: 2q33.1.
Variant type: Insertion.
Coding change: c.250_251insG on transcript NM_032977.4 (MANE Select); coding-DNA positions 250 to 251, G inserted.
Protein change: p.Tyr84Ter; replaces tyrosine 84 with a stop codon.
Molecular consequence: nonsense.
Genome position: GRCh38 VCF-style: chr2-201186027-T-TG. GRCh37 (hg19) VCF-style: chr2-202050750-T-TG.
Other names: c.250_251insG, p.Tyr84Ter (NM_001206524.2, NM_001206542.2, NM_001230.5 and 3 more transcripts); short protein forms Y84*.
Identifiers: ClinVar variation 4791578 (VCV004791578.1).
Genomic context (GRCh38, chr2:201,186,027, plus strand): 5'-CATCTCTTGGCAGAGGATCTGCTGAGTGAGGAAGACCCTTTCTTCCTGGCAGAACTCCTC[T>TG]ATATCATACGGCAGAAGAAGCTGCTGCAGCACCTCAACTGTACCAAAGAGGAAGTGGAGC-3'

ClinVar aggregate classification (germline): Uncertain significance (1 of 4 stars; one submission).

Conditions:
Autoimmune lymphoproliferative syndrome type 2A (ALPS2A). Also called: CASP10-Related Autoimmune Lymphoproliferative Syndrome; AUTOIMMUNE LYMPHOPROLIFERATIVE SYNDROME, TYPE IIA; Autoimmune lymphoproliferative syndrome type 2. Identifiers: Orphanet 3261, MedGen C1858968, MONDO:0011383, OMIM 603909.

Submission:

Labcorp Genetics (formerly Invitae), Labcorp
Classification: Uncertain significance for Autoimmune lymphoproliferative syndrome type 2A. Last evaluated: 2025-05-07. Review status: criteria provided, single submitter. Criteria: Invitae Variant Classification Sherloc (09022015). Collection method: clinical testing. Allele origin: germline.
Comment: This sequence change creates a premature translational stop signal (p.Tyr84*) in the CASP10 gene. It is expected to result in an absent or disrupted protein product. However, the current clinical and genetic evidence is not sufficient to establish whether loss-of-function variants in CASP10 cause disease. This variant is not present in population databases (gnomAD no frequency). This variant has not been reported in the literature in individuals affected with CASP10-related conditions. In summary, the available evidence is currently insufficient to determine the role of this variant in disease. Therefore, it has been classified as a Variant of Uncertain Significance.